The following is an entry in ClinVar:

NM_006922.4(SCN3A):c.1051A>T (p.Ile351Phe)

Gene: SCN3A (sodium voltage-gated channel alpha subunit 3; minus strand). Cytogenetic location: 2q24.3.
Variant type: single nucleotide variant.
Coding change: c.1051A>T on transcript NM_006922.4 (MANE Select); coding-DNA position 1051, A replaced by T.
Protein change: p.Ile351Phe; replaces isoleucine 351 with phenylalanine.
Molecular consequence: missense variant.
Genome position (GRCh38, 1-based): chr2:165,155,884, T>A on the plus strand (A>T on the coding strand, the complement: SCN3A is on the minus strand). VCF-style: chr2-165155884-T-A. GRCh37 (hg19) VCF-style: chr2-166012394-T-A.
Other names: c.1051A>T, p.Ile351Phe (NM_001081676.2, NM_001081677.2); short protein forms I351F.
Identifiers: ClinVar variation 1044465 (VCV001044465.9), dbSNP rs1688992341, ClinGen allele CA349238623.

ClinVar aggregate classification (germline): Uncertain significance (1 of 4 stars; one submission).

Submission:

Labcorp Genetics (formerly Invitae), Labcorp
Classification: Uncertain significance. Last evaluated: 2025-01-23. Review status: criteria provided, single submitter. Criteria: Invitae Variant Classification Sherloc (09022015). Collection method: clinical testing. Allele origin: germline.
Comment: This sequence change replaces isoleucine, which is neutral and non-polar, with phenylalanine, which is neutral and non-polar, at codon 351 of the SCN3A protein (p.Ile351Phe). This variant is not present in population databases (gnomAD no frequency). This variant has not been reported in the literature in individuals affected with SCN3A-related conditions. ClinVar contains an entry for this variant (Variation ID: 1044465). Invitae Evidence Modeling of protein sequence and biophysical properties (such as structural, functional, and spatial information, amino acid conservation, physicochemical variation, residue mobility, and thermodynamic stability) indicates that this missense variant is not expected to disrupt SCN3A protein function with a negative predictive value of 95%. In summary, the available evidence is currently insufficient to determine the role of this variant in disease. Therefore, it has been classified as a Variant of Uncertain Significance.